The following is an entry in ClinVar:

ClinVar aggregate classification (germline): Uncertain significance. Review status: criteria provided, multiple submitters, no conflicts (2 of 4 stars). 2 submissions from 2 submitters: Uncertain significance (2). Last evaluated 2025-10-18.

Conditions:
Brugada syndrome 4 (BRGDA4). Identifiers: Orphanet 130, MedGen C2678477, MONDO:0012743, OMIM 611876.

Allele frequency attached by ClinVar (database versions not stated): gnomAD exomes 0.00001 and 0.00007; TOPMed 0.00002.
gnomAD v4.1: 92 of 1,605,782 alleles (0.0057%); highest among the groups gnomAD compares: Non-Finnish European, 0.0077%; no homozygotes.

Submissions (2):

Women's Health and Genetics/Laboratory Corporation of America, LabCorp
Classification: Uncertain significance. Last evaluated: 2025-10-18. Review status: criteria provided, single submitter. Criteria: LabCorp Variant Classification Summary - May 2015. Collection method: clinical testing. Allele origin: germline.

Labcorp Genetics (formerly Invitae), Labcorp
Classification: Uncertain significance for Brugada syndrome 4. Last evaluated: 2024-07-30. Review status: criteria provided, single submitter. Criteria: Invitae Variant Classification Sherloc (09022015). Collection method: clinical testing. Allele origin: germline.
Comment: This sequence change falls in intron 12 of the CACNB2 gene. It does not directly change the encoded amino acid sequence of the CACNB2 protein. It affects a nucleotide within the consensus splice site. This variant is present in population databases (no rsID available, gnomAD 0.002%). This variant has not been reported in the literature in individuals affected with CACNB2-related conditions. ClinVar contains an entry for this variant (Variation ID: 537376). Variants that disrupt the consensus splice site are a relatively common cause of aberrant splicing (PMID: 17576681, 9536098). Algorithms developed to predict the effect of sequence changes on RNA splicing suggest that this variant is not likely to affect RNA splicing. In summary, the available evidence is currently insufficient to determine the role of this variant in disease. Therefore, it has been classified as a Variant of Uncertain Significance.

Literature cited by the submitters: PubMed 17576681 (cited by Labcorp Genetics (formerly Invitae), Labcorp); PubMed 9536098 (cited by Labcorp Genetics (formerly Invitae), Labcorp).

NM_201596.3(CACNB2):c.1488+6G>A

Gene: CACNB2 (calcium voltage-gated channel auxiliary subunit beta 2; plus strand). Cytogenetic location: 10p12.31.
Variant type: single nucleotide variant.
Coding change: c.1488+6G>A on transcript NM_201596.3 (MANE Select); 6 bases into the intron after coding-DNA position 1488, G replaced by A.
Molecular consequence: intron variant.
Genome position (GRCh38, 1-based): chr10:18,538,371, G>A. VCF-style: chr10-18538371-G-A. GRCh37 (hg19) VCF-style: chr10-18827300-G-A.
Other names: c.1404+6G>A (NM_201571.4); c.1290+6G>A (NM_001167945.2); c.1332+6G>A (NM_201572.4); c.1374+6G>A (NM_201593.3); c.1416+6G>A (NM_201597.3); c.1323+6G>A (NM_000724.4); c.1209+6G>A (NM_001330060.2); c.1326+6G>A (NM_201590.3); and 1 more.
Identifiers: ClinVar variation 537376 (VCV000537376.10), dbSNP rs966376165, ClinGen allele CA203166767.